The following is an entry in ClinVar:

NM_201384.3(PLEC):c.11095G>A (p.Gly3699Ser)

Gene: PLEC (plectin; minus strand). Cytogenetic location: 8q24.3.
Variant type: single nucleotide variant.
Coding change: c.11095G>A on transcript NM_201384.3 (MANE Select); coding-DNA position 11095, G replaced by A.
Protein change: p.Gly3699Ser; replaces glycine 3699 with serine.
Molecular consequence: missense variant.
Genome position (GRCh38, 1-based): chr8:143,918,726, C>T on the plus strand (G>A on the coding strand, the complement: PLEC is on the minus strand). VCF-style: chr8-143918726-C-T. GRCh37 (hg19) VCF-style: chr8-144992894-C-T.
Other names: c.11176G>A, p.Gly3726Ser (NM_000445.5); c.11053G>A, p.Gly3685Ser (NM_201378.4); c.11029G>A, p.Gly3677Ser (NM_201379.3); c.11506G>A, p.Gly3836Ser (NM_201380.4); c.11176G>A (NM_000445.3); c.10999G>A, p.Gly3667Ser (NM_201381.3); c.11095G>A, p.Gly3699Ser (NM_201382.4); c.11107G>A, p.Gly3703Ser (NM_201383.3); short protein forms G3667S, G3677S, G3685S, G3699S, G3703S, G3726S, G3836S.
Identifiers: ClinVar variation 500546 (VCV000500546.17), dbSNP rs372372955, ClinGen allele CA4924434.

ClinVar aggregate classification (germline): Uncertain significance. Review status: criteria provided, multiple submitters, no conflicts (2 of 4 stars). 5 submissions from 5 submitters: Uncertain significance (5). Last evaluated 2026-06-01.

Conditions:
Epidermolysis bullosa simplex 5C, with pyloric atresia (EBS5C). Also called: PLEC-Related Epidermolysis Bullosa with Pyloric Atresia; Epidermolysis bullosa simplex with pyloric atresia; PLEC1-Related Epidermolysis Bullosa with Pyloric Atresia. Identifiers: Orphanet 158684, MedGen C2677349, MONDO:0012807, OMIM 612138.
Epidermolysis bullosa simplex 5B, with muscular dystrophy (EBS5B). Also called: EPIDERMOLYSIS BULLOSA SIMPLEX AND LIMB-GIRDLE MUSCULAR DYSTROPHY; Epidermolysis bullosa simplex with muscular dystrophy. Identifiers: Orphanet 257, MedGen C2931072, MONDO:0009181, OMIM 226670.
Autosomal recessive limb-girdle muscular dystrophy type 2Q (LGMDR17). Also called: MUSCULAR DYSTROPHY, LIMB-GIRDLE, AUTOSOMAL RECESSIVE 17. Identifiers: Orphanet 254361, MedGen C3150989, MONDO:0013390, OMIM 613723.
Epidermolysis bullosa simplex with nail dystrophy (EBS5D). Identifiers: MedGen C4225309, MONDO:0014661, OMIM 616487.
Epidermolysis bullosa simplex, Ogna type (EBS5A). Also called: Pidermolysis bullosa simplex 5A, Ogna type; EPIDERMOLYSIS BULLOSA SIMPLEX 5A, OGNA TYPE. Identifiers: Orphanet 79401, MedGen C0432317, MONDO:0007555, OMIM 131950.
Inborn genetic diseases. Identifiers: MedGen C0950123, MeSH D030342.

Allele frequency attached by ClinVar (database versions not stated): ExAC 0.00002; gnomAD exomes 0.00002; gnomAD 0.00003; TOPMed 0.00005; ESP Exome Variant Server 0.00016.
gnomAD v4.1: 75 of 1,612,882 alleles (0.0047%); highest among the groups gnomAD compares: Non-Finnish European, 0.0054%; no homozygotes.

Submissions (5):

CeGaT Center for Human Genetics Tuebingen
Classification: Uncertain significance. Last evaluated: 2026-06-01. Review status: criteria provided, single submitter. Criteria: CeGaT Center For Human Genetics Tuebingen Variant Classification Criteria Version 2. Collection method: clinical testing. Allele origin: germline. Affected: yes. Observed: 1 variant allele.
Comment: PLEC: PM2, BP4

Labcorp Genetics (formerly Invitae), Labcorp
Classification: Uncertain significance for Autosomal recessive limb-girdle muscular dystrophy type 2Q; Epidermolysis bullosa simplex, Ogna type; Epidermolysis bullosa simplex with nail dystrophy; Epidermolysis bullosa simplex 5C, with pyloric atresia; Epidermolysis bullosa simplex 5B, with muscular dystrophy. Last evaluated: 2024-12-17. Review status: criteria provided, single submitter. Criteria: Invitae Variant Classification Sherloc (09022015). Collection method: clinical testing. Allele origin: germline.
Comment: This sequence change replaces glycine, which is neutral and non-polar, with serine, which is neutral and polar, at codon 3726 of the PLEC protein (p.Gly3726Ser). This variant is present in population databases (rs372372955, gnomAD 0.005%). This variant has not been reported in the literature in individuals affected with PLEC-related conditions. ClinVar contains an entry for this variant (Variation ID: 500546). An algorithm developed to predict the effect of missense changes on protein structure and function outputs the following: PolyPhen-2: "Benign". The serine amino acid residue is found in multiple mammalian species, which suggests that this missense change does not adversely affect protein function. In summary, the available evidence is currently insufficient to determine the role of this variant in disease. Therefore, it has been classified as a Variant of Uncertain Significance.

Ambry Genetics
Classification: Uncertain significance for Inborn genetic diseases. Last evaluated: 2021-12-04. Review status: criteria provided, single submitter. Criteria: Ambry Variant Classification Scheme 2023. Collection method: clinical testing. Allele origin: germline.

Revvity Omics, Revvity
Classification: Uncertain significance. Last evaluated: 2019-04-03. Review status: criteria provided, single submitter. Criteria: ACMG Guidelines, 2015. Collection method: clinical testing. Allele origin: germline.

Eurofins Ntd Llc (ga)
Classification: Uncertain significance. Last evaluated: 2017-02-27. Review status: criteria provided, single submitter. Criteria: EGL Classification Definitions 2015. Collection method: clinical testing. Allele origin: germline. Observed: 1 variant allele, 1 heterozygote.